The following is an entry in ClinVar:

NM_170754.4(TNS2):c.261+9G>A

Genes: TNS2 (tensin 2; plus strand), TNS2-AS1 (TNS2 antisense RNA 1; minus strand). Cytogenetic location: 12q13.13.
Variant type: single nucleotide variant.
Coding change: c.261+9G>A on transcript NM_170754.4 (MANE Select); 9 bases into the intron after coding-DNA position 261, G replaced by A.
Molecular consequence: intron variant. On other transcripts: non-coding transcript variant (1).
Genome position (GRCh38, 1-based): chr12:53,053,458, G>A. VCF-style: chr12-53053458-G-A. GRCh37 (hg19) VCF-style: chr12-53447242-G-A.
Other names: c.291+9G>A (NM_015319.2); c.-112+9G>A (NM_198316.2); c.261+9G>A (NM_001416202.1, NM_001416204.1); c.192+9G>A (NM_001416203.1, NM_015319.3).
Identifiers: ClinVar variation 2056645 (VCV002056645.6), dbSNP rs199865868, ClinGen allele CA6591854.
Genomic context (GRCh38, chr12:53,053,458, plus strand): 5'-GGTCCCCTTCCAGGTGACTTCAGCCTGTCAGGCCTTGCCTCCCGTGGAGTTGGTGAGTGC[G>A]CTCTGGGATGGGGTGGGGAGGGCAAGGAACCTGGCCATGGTGTCCAGAGGTCTGGTGGCT-3'

ClinVar aggregate classification (germline): Benign. Review status: criteria provided, single submitter (1 of 4 stars). 2 submissions from 2 submitters: Benign (1). 1 of the submissions does not count toward it. Last evaluated 2025-12-23.

Conditions:
TNS2-related disorder. Also called: TNS2-related condition.

Allele frequency attached by ClinVar (database versions not stated): TOPMed 0.00079; gnomAD 0.00090; ExAC 0.00121; ESP Exome Variant Server 0.00123.
gnomAD v4.1: 2,473 of 1,613,996 alleles (0.15%); highest among the groups gnomAD compares: Non-Finnish European, 0.19%; 5 homozygotes.

Submissions (2):

Labcorp Genetics (formerly Invitae), Labcorp
Classification: Benign. Last evaluated: 2025-12-23. Review status: criteria provided, single submitter. Criteria: Invitae Variant Classification Sherloc (09022015). Collection method: clinical testing. Allele origin: germline.

PreventionGenetics, part of Exact Sciences
Classification: Likely benign for TNS2-related condition. Last evaluated: 2019-10-28. Review status: no assertion criteria provided. Collection method: clinical testing. Allele origin: germline. Not counted in ClinVar's aggregate classification.
Comment: This variant is classified as likely benign based on ACMG/AMP sequence variant interpretation guidelines (Richards et al. 2015 PMID: 25741868, with internal and published modifications).